The following is an entry in ClinVar:

NM_138792.4(LEO1):c.1827C>T (p.Asp609=)

Gene: LEO1 (LEO1 homolog, Paf1/RNA polymerase II complex component; minus strand). Cytogenetic location: 15q21.2.
Variant type: single nucleotide variant.
Coding change: c.1827C>T on transcript NM_138792.4 (MANE Select); coding-DNA position 1827, C replaced by T.
Protein change: p.Asp609=; no amino-acid change (aspartic acid 609 retained).
Molecular consequence: synonymous variant.
Genome position (GRCh38, 1-based): chr15:51,947,361, G>A on the plus strand (C>T on the coding strand, the complement: LEO1 is on the minus strand). VCF-style: chr15-51947361-G-A. GRCh37 (hg19) VCF-style: chr15-52239558-G-A.
Other names: c.1647C>T, p.Asp549= (NM_001286430.2); c.1827C>T, p.Asp609= (NM_001323903.2, NM_001323904.2, NM_001426597.1 and 1 more transcripts).
Identifiers: ClinVar variation 3044065 (VCV003044065.2), dbSNP rs149228273, ClinGen allele CA7564352.
Genomic context (GRCh38, chr15:51,947,361, plus strand): 5'-GGTAAGTTTCTTTGCTTTGAGTAATCTTTGAGCTTTATCTTCTTCTGATCCCTCATCACT[G>A]TCTGATGAATAGATTCTGGCTCGTTCCTCTGAAAGCAAAAGTACAGATTGTGAGTCACCT-3'
Protein context (NP_620147.1, residues 599-619): REERARIYSS[Asp609=]SDEGSEEDKA

ClinVar aggregate classification (germline): Benign (0 of 4 stars; one submission).

Conditions:
LEO1-related disorder. Also called: LEO1-related condition.

Allele frequency attached by ClinVar (database versions not stated): gnomAD exomes 0.00386; 1000 Genomes Project 30x 0.00734; ESP Exome Variant Server 0.00054; TOPMed 0.00110; gnomAD 0.00210; ExAC 0.00770; 1000 Genomes Project 0.00779.
gnomAD v4.1: 5,972 of 1,611,998 alleles (0.37%); highest among the groups gnomAD compares: South Asian, 5%; 172 homozygotes.

Submission:

PreventionGenetics, part of Exact Sciences
Classification: Benign for LEO1-related condition. Last evaluated: 2019-02-20. Review status: no assertion criteria provided. Collection method: clinical testing. Allele origin: germline.
Comment: This variant is classified as benign based on ACMG/AMP sequence variant interpretation guidelines (Richards et al. 2015 PMID: 25741868, with internal and published modifications).